The following is an entry in ClinVar:

ClinVar aggregate classification (germline): Uncertain significance. Review status: criteria provided, multiple submitters, no conflicts (2 of 4 stars). 6 submissions from 6 submitters: Uncertain significance (6). Last evaluated 2026-04-13.

Conditions:
FBN2-related disorder. Also called: FBN2-related condition.
Ehlers-Danlos syndrome (EDS). Identifiers: Orphanet 98249, MedGen C0013720, MONDO:0020066.
Familial thoracic aortic aneurysm and aortic dissection (TAAD). Also called: Thoracic aortic aneurysms and dissections. Identifiers: Orphanet 91387, MedGen C4707243, MONDO:0019625.
Congenital contractural arachnodactyly (CCA). Also called: BEALS SYNDROME; Beals-Hecht syndrome; Arthrogryposis, distal, type 9. Identifiers: Orphanet 115, MedGen C0220668, MONDO:0007363, OMIM 121050.

Allele frequency attached by ClinVar (database versions not stated): ExAC 0.00002; gnomAD exomes 0.00003; TOPMed 0.00005; gnomAD 0.00006; ESP Exome Variant Server 0.00008.

Submissions (6):

Ambry Genetics
Classification: Uncertain significance for Familial thoracic aortic aneurysm and aortic dissection. Last evaluated: 2026-04-13. Review status: criteria provided, single submitter. Criteria: Ambry Variant Classification Scheme 2023. Collection method: clinical testing. Allele origin: germline.
Comment: The p.R394H variant (also known as c.1181G>A), located in coding exon 9 of the FBN2 gene, results from a G to A substitution at nucleotide position 1181. The arginine at codon 394 is replaced by histidine, an amino acid with highly similar properties. This variant was reported in individual(s) with features consistent with developmental disorders (Turner TN et al. Am J Hum Genet, 2019 Dec;105:1274-1285; Kaplanis J et al. Nature, 2020 Oct;586:757-762). This amino acid position is well conserved in available vertebrate species. In addition, the in silico prediction for this alteration is inconclusive. Based on the available evidence, the clinical significance of this variant remains unclear.

PreventionGenetics, part of Exact Sciences
Classification: Uncertain significance for FBN2-related condition. Last evaluated: 2025-09-03. Review status: criteria provided, single submitter. Criteria: ACMG Guidelines, 2015. Collection method: clinical testing. Allele origin: germline.
Comment: The FBN2 c.1181G>A variant is predicted to result in the amino acid substitution p.Arg394His. To our knowledge, this variant has not been reported in the literature in individuals with FBN2-related disorders. This variant is reported in 0.0053% of alleles in individuals of European (Non-Finnish) descent in gnomAD. At this time, the clinical significance of this variant is uncertain due to the absence of conclusive functional and genetic evidence.

Labcorp Genetics (formerly Invitae), Labcorp
Classification: Uncertain significance for Congenital contractural arachnodactyly. Last evaluated: 2025-08-20. Review status: criteria provided, single submitter. Criteria: Invitae Variant Classification Sherloc (09022015). Collection method: clinical testing. Allele origin: germline.
Comment: This sequence change replaces arginine, which is basic and polar, with histidine, which is basic and polar, at codon 394 of the FBN2 protein (p.Arg394His). This variant is present in population databases (rs150790914, gnomAD 0.005%). This missense change has been observed in individual(s) with aortic root enlargement (internal data). ClinVar contains an entry for this variant (Variation ID: 213388). Invitae Evidence Modeling of protein sequence and biophysical properties (such as structural, functional, and spatial information, amino acid conservation, physicochemical variation, residue mobility, and thermodynamic stability) indicates that this missense variant is not expected to disrupt FBN2 protein function with a negative predictive value of 80%. In summary, the available evidence is currently insufficient to determine the role of this variant in disease. Therefore, it has been classified as a Variant of Uncertain Significance.

Genome Diagnostics Laboratory, The Hospital for Sick Children
Classification: Uncertain significance for Ehlers-Danlos syndrome. Last evaluated: 2020-02-01. Review status: criteria provided, single submitter. Criteria: ACMG Guidelines, 2015. Collection method: clinical testing. Allele origin: germline.

GeneDx
Classification: Uncertain significance. Last evaluated: 2019-09-24. Review status: criteria provided, single submitter. Criteria: GeneDx Variant Classification Process June 2021. Collection method: clinical testing. Allele origin: germline. Affected: yes.
Comment: Has not been previously published as pathogenic or benign to our knowledge; In silico analysis, which includes protein predictors and evolutionary conservation, supports a deleterious effect; Does not affect a cysteine residue within a calcium-binding EGF-like domain of the FBN2 gene; cysteine substitutions in the calcium-binding EGF-like domains represent the majority of pathogenic missense changes associated with FBN2-related disorders (Collod-Beroud et al., 2003; Frederic et al, 2009).; Reported in ClinVar but additional evidence is not available (ClinVar Variant ID# 213388; Landrum et al., 2016)

Illumina Laboratory Services, Illumina
Classification: Uncertain significance for Congenital contractural arachnodactyly. Last evaluated: 2018-01-12. Review status: criteria provided, single submitter. Criteria: ICSL Variant Classification Criteria 13 December 2019. Collection method: clinical testing. Allele origin: germline.

Literature cited by the submitters: PubMed 31785789 (cited by Ambry Genetics); PubMed 33057194 (cited by Ambry Genetics).

NM_001999.4(FBN2):c.1181G>A (p.Arg394His)

Gene: FBN2 (fibrillin 2; minus strand). Cytogenetic location: 5q23.3.
Variant type: single nucleotide variant.
Coding change: c.1181G>A on transcript NM_001999.4 (MANE Select); coding-DNA position 1181, G replaced by A.
Protein change: p.Arg394His; replaces arginine 394 with histidine.
Molecular consequence: missense variant.
Genome position (GRCh38, 1-based): chr5:128,395,172, C>T on the plus strand (G>A on the coding strand, the complement: FBN2 is on the minus strand). VCF-style: chr5-128395172-C-T. GRCh37 (hg19) VCF-style: chr5-127730865-C-T.
Other names: short protein forms R394H.
Identifiers: ClinVar variation 213388 (VCV000213388.23), dbSNP rs150790914, ClinGen allele CA325396.